The following is an entry in ClinVar:

NM_001321967.2(ATAD1):c.690+1G>C

Gene: ATAD1 (ATPase family AAA domain containing 1; minus strand). Cytogenetic location: 10q23.31.
Variant type: single nucleotide variant.
Coding change: c.690+1G>C on transcript NM_001321967.2 (MANE Select); the canonical splice donor site of the intron after coding-DNA position 690, G replaced by C.
Molecular consequence: splice donor variant.
Genome position (GRCh38, 1-based): chr10:87,776,320, C>G on the plus strand (G>C on the coding strand, the complement: ATAD1 is on the minus strand). VCF-style: chr10-87776320-C-G. GRCh37 (hg19) VCF-style: chr10-89536077-C-G.
Other names: c.690+1G>C (NM_001321968.2, NM_032810.4); c.333+1G>C (NM_001321969.2).
Identifiers: ClinVar variation 2573834 (VCV002573834.2), dbSNP rs1262126778, ClinGen allele CA377489673.

ClinVar aggregate classification (germline): Conflicting classifications of pathogenicity. Review status: criteria provided, conflicting classifications (1 of 4 stars). 2 submissions from 2 submitters: Pathogenic (1); Uncertain significance (1). Last evaluated 2023-07-21.

Allele frequency attached by ClinVar (database versions not stated): TOPMed below 0.00001; gnomAD exomes 0.00001.
gnomAD v4.1: 3 of 1,604,910 alleles (0.00019%); highest among the groups gnomAD compares: Non-Finnish European, 0.00026%; no homozygotes.

Submissions (2):

GeneDx
Classification: Pathogenic. Last evaluated: 2023-07-21. Review status: criteria provided, single submitter. Criteria: GeneDx Variant Classification Process June 2021. Collection method: clinical testing. Allele origin: germline. Affected: yes.
Comment: Canonical splice site variant predicted to result in a null allele in a gene for which loss of function is a known mechanism of disease; Not observed at significant frequency in large population cohorts (gnomAD); This variant is associated with the following publications: (PMID: 36933275)

Blueprint Genetics
Classification: Uncertain significance. Last evaluated: 2023-04-19. Review status: criteria provided, single submitter. Criteria: ACMG Guidelines, 2015. Collection method: clinical testing. Allele origin: germline.